The following is an entry in ClinVar:

NM_058216.3(RAD51C):c.791G>T (p.Gly264Val)

Gene: RAD51C (RAD51 paralog C; plus strand). Cytogenetic location: 17q22.
Variant type: single nucleotide variant.
Coding change: c.791G>T on transcript NM_058216.3 (MANE Select); coding-DNA position 791, G replaced by T.
Protein change: p.Gly264Val; replaces glycine 264 with valine.
Molecular consequence: missense variant. On other transcripts: non-coding transcript variant (1).
Genome position (GRCh38, 1-based): chr17:58,709,944, G>T. VCF-style: chr17-58709944-G-T. GRCh37 (hg19) VCF-style: chr17-56787305-G-T.
Other names: short protein forms G264V.
Identifiers: ClinVar variation 480946 (VCV000480946.13), dbSNP rs1283065191, ClinGen allele CA400354059.
Genomic context (GRCh38, chr17:58,709,944, plus strand): 5'-TTGCTTTTCCATTTCGTCATGACCTAGATGACCTGTCTCTTCGTACTCGGTTATTAAATG[G>T]CCTAGCCCAGCAAATGATCAGCCTTGCAAATAATCACAGATTAGCTGTAAGTATTAACTA-3'
Protein context (NP_478123.1, residues 254-274): DLSLRTRLLN[Gly264Val]LAQQMISLAN

ClinVar aggregate classification (germline): Uncertain significance. Review status: criteria provided, multiple submitters, no conflicts (2 of 4 stars). 3 submissions from 3 submitters: Uncertain significance (2). 1 of the submissions does not count toward it. Last evaluated 2024-05-28.

Conditions:
Hereditary cancer-predisposing syndrome. Also called: Hereditary neoplastic syndrome; Neoplastic Syndromes, Hereditary; Tumor predisposition; Hereditary Cancer Syndrome. Identifiers: Orphanet 140162, MedGen C0027672, MeSH D009386, MONDO:0015356.
Fanconi anemia complementation group O. Also called: RAD51C-Related Fanconi Anemia. Identifiers: Orphanet 84, MedGen C3150653, MONDO:0013248, OMIM 613390.

Submissions (3):

Labcorp Genetics (formerly Invitae), Labcorp
Classification: Uncertain significance for Fanconi anemia complementation group O. Last evaluated: 2024-05-28. Review status: criteria provided, single submitter. Criteria: Invitae Variant Classification Sherloc (09022015). Collection method: clinical testing. Allele origin: germline.
Comment: This sequence change replaces glycine, which is neutral and non-polar, with valine, which is neutral and non-polar, at codon 264 of the RAD51C protein (p.Gly264Val). This variant is not present in population databases (gnomAD no frequency). This missense change has been observed in individual(s) with breast cancer (PMID: 20400964). ClinVar contains an entry for this variant (Variation ID: 480946). Advanced modeling of protein sequence and biophysical properties (such as structural, functional, and spatial information, amino acid conservation, physicochemical variation, residue mobility, and thermodynamic stability) has been performed at Invitae for this missense variant, however the output from this modeling did not meet the statistical confidence thresholds required to predict the impact of this variant on RAD51C protein function. Experimental studies have shown that this missense change does not substantially affect RAD51C function (PMID: 20400964). In summary, the available evidence is currently insufficient to determine the role of this variant in disease. Therefore, it has been classified as a Variant of Uncertain Significance.

Ambry Genetics
Classification: Uncertain significance for Hereditary cancer-predisposing syndrome. Last evaluated: 2018-10-11. Review status: criteria provided, single submitter. Criteria: Ambry Variant Classification Scheme 2023. Collection method: clinical testing. Allele origin: germline.
Comment: The p.G264V variant (also known as c.791G>T), located in coding exon 5 of the RAD51C gene, results from a G to T substitution at nucleotide position 791. The glycine at codon 264 is replaced by valine, an amino acid with dissimilar properties. In a study of 1100 German high-risk breast and/or ovarian cancer families, this alteration was detected in 1 breast cancer family and produced functional study results similar to wild type RAD51C (Meindl A et al. Nat. Genet., 2010 May;42:410-4). This amino acid position is highly conserved in available vertebrate species. In addition, the in silico prediction for this alteration is inconclusive. Since supporting evidence is limited at this time, the clinical significance of this alteration remains unclear.

Leiden Open Variation Database
Classification: Likely benign. Last evaluated: 2014-11-02. Review status: no assertion criteria provided. Collection method: curation. Allele origin: germline. Affected: yes. Not counted in ClinVar's aggregate classification.
Comment: Curator: Arleen D. Auerbach. Submitter to LOVD: Johan den Dunnen.

Literature cited by the submitters: PubMed 20400964 (cited by 3 submitters).